The following is an entry in ClinVar:

ClinVar aggregate classification (germline): Uncertain significance (1 of 4 stars; one submission).

Conditions:
Inborn genetic diseases. Identifiers: MedGen C0950123, MeSH D030342.

Submission:

Ambry Genetics
Classification: Uncertain significance for Inborn genetic diseases. Last evaluated: 2026-08-26. Review status: criteria provided, single submitter. Criteria: Ambry Variant Classification Scheme 2023. Collection method: clinical testing. Allele origin: germline.
Comment: The p.A12P variant (also known as c.34G>C), located in coding exon 1 of the KDM1A gene, results from a G to C substitution at nucleotide position 34. The alanine at codon 12 is replaced by proline, an amino acid with highly similar properties. This amino acid position is conserved. In addition, this alteration is predicted to be tolerated by in silico analysis. Based on the available evidence, the clinical significance of this variant remains unclear.

NM_001009999.3(KDM1A):c.34G>C (p.Ala12Pro)

Gene: KDM1A (lysine demethylase 1A; plus strand). Cytogenetic location: 1p36.12.
Variant type: single nucleotide variant.
Coding change: c.34G>C on transcript NM_001009999.3 (MANE Select); coding-DNA position 34, G replaced by C.
Protein change: p.Ala12Pro; replaces alanine 12 with proline.
Molecular consequence: missense variant.
Genome position (GRCh38, 1-based): chr1:23,019,630, G>C. VCF-style: chr1-23019630-G-C. GRCh37 (hg19) VCF-style: chr1-23346123-G-C.
Other names: c.34G>C, p.Ala12Pro (NM_001363654.2, NM_001410762.1, NM_001410763.1 and 1 more transcripts); short protein forms A12P.
Identifiers: ClinVar variation 5023101 (VCV005023101.1).